The following is an entry in ClinVar:

NM_000642.3(AGL):c.379_382dup (p.Thr128fs)

Gene: AGL (amylo-alpha-1,6-glucosidase and 4-alpha-glucanotransferase; plus strand). Cytogenetic location: 1p21.2.
Variant type: Duplication.
Coding change: c.379_382dup on transcript NM_000642.3 (MANE Select); coding-DNA positions 379 to 382, 4 bases duplicated (GTTA; older notation c.379_382dupGTTA).
Protein change: p.Thr128fs; shifts the reading frame from threonine 128.
Molecular consequence: frameshift variant. On other transcripts: intron variant (1).
Genome position (GRCh38, 1-based): chr1:99,862,342-99,862,345, GTTA duplicated. VCF-style (leftmost placement, unchanged base first): chr1-99862341-T-TGTTA. GRCh37 (hg19) VCF-style: chr1-100327897-T-TGTTA.
Other names: c.379_382dup, p.Thr128fs (NM_000028.3, NM_000643.3, NM_000644.3 and 5 more transcripts); c.331_334dup, p.Thr112fs (NM_000646.3); c.83-2044_83-2041dup (NM_001425332.1); short protein forms T112fs, T128fs.
Identifiers: ClinVar variation 3722454 (VCV003722454.2).

ClinVar aggregate classification (germline): Pathogenic (1 of 4 stars; one submission).

Conditions:
Glycogen storage disease type III (GSD3). Also called: FORBES DISEASE; Cori disease. Identifiers: Orphanet 366, MedGen C0017922, MONDO:0009291, OMIM 232400.

Submission:

Labcorp Genetics (formerly Invitae), Labcorp
Classification: Pathogenic for Glycogen storage disease type III. Last evaluated: 2024-10-07. Review status: criteria provided, single submitter. Criteria: Invitae Variant Classification Sherloc (09022015). Collection method: clinical testing. Allele origin: germline.
Comment: This sequence change creates a premature translational stop signal (p.Thr128Serfs*9) in the AGL gene. It is expected to result in an absent or disrupted protein product. Loss-of-function variants in AGL are known to be pathogenic (PMID: 19299494). This variant is not present in population databases (gnomAD no frequency). This variant has not been reported in the literature in individuals affected with AGL-related conditions. For these reasons, this variant has been classified as Pathogenic.

Literature cited by the submitters: PubMed 19299494.